The following is an entry in ClinVar:

ClinVar aggregate classification (germline): Likely pathogenic (1 of 4 stars; one submission).

Conditions:
Glycine encephalopathy. Also called: Nonketotic hyperglycinemia; Non-ketotic hyperglycinemia. Identifiers: Orphanet 407, MedGen C0751748, MONDO:0011612, HP:0008288.

gnomAD v4.1: 4 of 1,613,806 alleles (0.00025%); highest among the groups gnomAD compares: Admixed American, 0.0017%; no homozygotes.

Submission:

Natera, Inc.
Classification: Likely pathogenic for Non-ketotic hyperglycinemia. Last evaluated: 2025-02-04. Review status: criteria provided, single submitter. Criteria: Natera Variant Classification Schema (03/2026). Collection method: clinical testing. Allele origin: germline.
Comment: The c.91-1G>A variant in AMT is a canonical splice acceptor site variant predicted to affect pre-mRNA splicing, which may result in an abnormal transcript and altered protein product. This variant is expected to result in nonsense mediated decay, truncation, or a dysfunctional protein product. This variant is rare in the general population with a frequency below the threshold expected for the associated phenotype(s). Given the available evidence, this variant is classified as Likely Pathogenic.

NM_000481.4(AMT):c.91-1G>A

Gene: AMT (aminomethyltransferase; minus strand). Cytogenetic location: 3p21.31.
Variant type: single nucleotide variant.
Coding change: c.91-1G>A on transcript NM_000481.4 (MANE Select); the canonical splice acceptor site of the intron before coding-DNA position 91, G replaced by A.
Molecular consequence: splice acceptor variant. On other transcripts: intron variant (1).
Genome position (GRCh38, 1-based): chr3:49,422,272, C>T on the plus strand (G>A on the coding strand, the complement: AMT is on the minus strand). VCF-style: chr3-49422272-C-T. GRCh37 (hg19) VCF-style: chr3-49459705-C-T.
Other names: c.90+89G>A (NM_001164711.2); c.91-1G>A (NM_001164710.2, NM_001164712.2).
Identifiers: ClinVar variation 4060560 (VCV004060560.2).
Genomic context (GRCh38, chr3:49,422,272, plus strand): 5'-CACCATTTTCCCGCCGTGGGCCAGGTGGAAGTCATAGAGCGGTGTCCTGCGGAGCACCTC[C>T]TGTGGGCGGCTGGGCTTAGTGCCACCAGGGCCCTAGCCCCCAGCCGCTTCCCTCCCCCAC-3'